The following is an entry in ClinVar:

ClinVar aggregate classification (germline): Benign (1 of 4 stars; one submission).

Conditions:
Hereditary diffuse gastric adenocarcinoma (HDGC). Also called: DIFFUSE GASTRIC AND LOBULAR BREAST CANCER SYNDROME. Identifiers: Orphanet 26106, MedGen C1708349, MONDO:0007648, OMIM 137215.

gnomAD v4.1: 1 of 1,607,034 alleles (0.000062%); highest among the groups gnomAD compares: Non-Finnish European, 0.000085%; no homozygotes.

Submission:

Myriad Genetics, Inc.
Classification: Benign for Hereditary diffuse gastric adenocarcinoma. Last evaluated: 2024-10-16. Review status: criteria provided, single submitter. Criteria: Myriad Autosomal Dominant, Autosomal Recessive and X-Linked Classification Criteria (2023). Collection method: clinical testing. Allele origin: unknown.
Comment: This variant is considered benign. This variant occurs in the non-coding 3' untranslated region of the gene, and is not expected to impact protein function.

NM_001903.5(CTNNA1):c.*4T>G

Gene: CTNNA1 (catenin alpha 1; plus strand). Cytogenetic location: 5q31.2.
Variant type: single nucleotide variant.
Coding change: c.*4T>G on transcript NM_001903.5 (MANE Select); 4 bases downstream of the stop codon, T replaced by G.
Molecular consequence: 3 prime UTR variant.
Genome position (GRCh38, 1-based): chr5:138,934,093, T>G. VCF-style: chr5-138934093-T-G. GRCh37 (hg19) VCF-style: chr5-138269782-T-G.
Other names: c.*270T>G (NM_001290307.3, NM_001324002.1, NM_001324003.1 and 2 more transcripts); c.*4T>G (NM_001290309.3, NM_001290310.3, NM_001290312.1 and 28 more transcripts).
Identifiers: ClinVar variation 3773216 (VCV003773216.1).